The following is an entry in ClinVar:

NM_006514.4(SCN10A):c.4096T>C (p.Phe1366Leu)

Gene: SCN10A (sodium voltage-gated channel alpha subunit 10; minus strand). Cytogenetic location: 3p22.2.
Variant type: single nucleotide variant.
Coding change: c.4096T>C on transcript NM_006514.4 (MANE Select); coding-DNA position 4096, T replaced by C.
Protein change: p.Phe1366Leu; replaces phenylalanine 1366 with leucine.
Molecular consequence: missense variant.
Genome position (GRCh38, 1-based): chr3:38,710,891, A>G on the plus strand (T>C on the coding strand, the complement: SCN10A is on the minus strand). VCF-style: chr3-38710891-A-G. GRCh37 (hg19) VCF-style: chr3-38752382-A-G.
Other names: c.4093T>C, p.Phe1365Leu (NM_001293306.2); c.3802T>C, p.Phe1268Leu (NM_001293307.2); short protein forms F1268L, F1365L, F1366L.
Identifiers: ClinVar variation 4085648 (VCV004085648.8).

ClinVar aggregate classification (germline): Uncertain significance (1 of 4 stars; one submission).

Submission:

CeGaT Center for Human Genetics Tuebingen
Classification: Uncertain significance. Last evaluated: 2025-07-01. Review status: criteria provided, single submitter. Criteria: CeGaT Center For Human Genetics Tuebingen Variant Classification Criteria Version 2. Collection method: clinical testing. Allele origin: germline. Affected: yes. Observed: 1 variant allele.
Comment: SCN10A: PM2, PP3